The following is an entry in ClinVar:

ClinVar aggregate classification (germline): Uncertain significance. Review status: criteria provided, multiple submitters, no conflicts (2 of 4 stars). 2 submissions from 2 submitters: Uncertain significance (2). Last evaluated 2024-06-04.

Conditions:
Inborn genetic diseases. Identifiers: MedGen C0950123, MeSH D030342.

Allele frequency attached by ClinVar (database versions not stated): gnomAD exomes below 0.00001; TOPMed 0.00001.
gnomAD v4.1: 2 of 1,614,094 alleles (0.00012%); highest among the groups gnomAD compares: Non-Finnish European, 0.000085%; no homozygotes.

Submissions (2):

Ambry Genetics
Classification: Uncertain significance for Inborn genetic diseases. Last evaluated: 2024-06-04. Review status: criteria provided, single submitter. Criteria: Ambry Variant Classification Scheme 2023. Collection method: clinical testing. Allele origin: germline.

Labcorp Genetics (formerly Invitae), Labcorp
Classification: Uncertain significance. Last evaluated: 2022-07-12. Review status: criteria provided, single submitter. Criteria: Invitae Variant Classification Sherloc (09022015). Collection method: clinical testing. Allele origin: germline.
Comment: In summary, the available evidence is currently insufficient to determine the role of this variant in disease. Therefore, it has been classified as a Variant of Uncertain Significance. Advanced modeling of protein sequence and biophysical properties (such as structural, functional, and spatial information, amino acid conservation, physicochemical variation, residue mobility, and thermodynamic stability) performed at Invitae indicates that this missense variant is expected to disrupt COL9A1 protein function. This variant has not been reported in the literature in individuals affected with COL9A1-related conditions. This variant is not present in population databases (gnomAD no frequency). This sequence change replaces glycine, which is neutral and non-polar, with arginine, which is basic and polar, at codon 724 of the COL9A1 protein (p.Gly724Arg).

NM_001851.6(COL9A1):c.2170G>A (p.Gly724Arg)

Gene: COL9A1 (collagen type IX alpha 1 chain; minus strand). Cytogenetic location: 6q13.
Variant type: single nucleotide variant.
Coding change: c.2170G>A on transcript NM_001851.6 (MANE Select); coding-DNA position 2170, G replaced by A.
Protein change: p.Gly724Arg; replaces glycine 724 with arginine.
Molecular consequence: missense variant. On other transcripts: non-coding transcript variant (1), intron variant (1).
Genome position (GRCh38, 1-based): chr6:70,234,883, C>T on the plus strand (G>A on the coding strand, the complement: COL9A1 is on the minus strand). VCF-style: chr6-70234883-C-T. GRCh37 (hg19) VCF-style: chr6-70944586-C-T.
Other names: c.1471G>A, p.Gly491Arg (NM_001377289.1); c.1441G>A, p.Gly481Arg (NM_078485.4); c.1384-290G>A (NM_001377290.1); c.2170G>A (NM_001851.4); short protein forms G481R, G491R, G724R.
Identifiers: ClinVar variation 2069873 (VCV002069873.3), dbSNP rs953644315, ClinGen allele CA140848681.